The following is an entry in ClinVar:

NM_002206.3(ITGA7):c.2924T>C (p.Val975Ala)

Gene: ITGA7 (integrin subunit alpha 7; minus strand). Cytogenetic location: 12q13.2.
Variant type: single nucleotide variant.
Coding change: c.2924T>C on transcript NM_002206.3 (MANE Select); coding-DNA position 2924, T replaced by C.
Protein change: p.Val975Ala; replaces valine 975 with alanine.
Molecular consequence: missense variant.
Genome position (GRCh38, 1-based): chr12:55,688,878, A>G on the plus strand (T>C on the coding strand, the complement: ITGA7 is on the minus strand). VCF-style: chr12-55688878-A-G. GRCh37 (hg19) VCF-style: chr12-56082662-A-G.
Other names: c.2936T>C, p.Val979Ala (NM_001144996.2); c.2645T>C, p.Val882Ala (NM_001144997.2); c.2597T>C, p.Val866Ala (NM_001367993.1); c.1580T>C, p.Val527Ala (NM_001367994.1); c.2906T>C, p.Val969Ala (NM_001374465.1); c.3056T>C, p.Val1019Ala (NM_001410977.1); c.2918T>C, p.Val973Ala (NM_001414029.1); c.2849T>C, p.Val950Ala (NM_001414030.1); and 5 more; short protein forms V866A, V975A, V969A, V527A, V882A, V979A, V1019A, V946A.
Identifiers: ClinVar variation 838120 (VCV000838120.10), dbSNP rs748642428, ClinGen allele CA6615411.

ClinVar aggregate classification (germline): Uncertain significance. Review status: criteria provided, multiple submitters, no conflicts (2 of 4 stars). 2 submissions from 2 submitters: Uncertain significance (2). Last evaluated 2025-07-15.

Conditions:
Congenital muscular dystrophy due to integrin alpha-7 deficiency. Also called: Congenital muscular dystrophy with integrin alpha-7 deficiency; Muscular dystrophy, congenital, due to ITGA7 deficiency; MYOPATHY, CONGENITAL, DUE TO INTEGRIN ALPHA-7 DEFICIENCY. Identifiers: Orphanet 34520, MedGen C2750786, MONDO:0013177, OMIM 613204.

Allele frequency attached by ClinVar (database versions not stated): gnomAD 0.00001; gnomAD exomes 0.00001 and 0.00004; TOPMed 0.00001; ExAC 0.00002.
gnomAD v4.1: 10 of 1,613,964 alleles (0.00062%); highest among the groups gnomAD compares: East Asian, 0.022%; no homozygotes.

Submissions (2):

Labcorp Genetics (formerly Invitae), Labcorp
Classification: Uncertain significance for Congenital muscular dystrophy due to integrin alpha-7 deficiency. Last evaluated: 2025-07-15. Review status: criteria provided, single submitter. Criteria: Invitae Variant Classification Sherloc (09022015). Collection method: clinical testing. Allele origin: germline.
Comment: This sequence change replaces valine, which is neutral and non-polar, with alanine, which is neutral and non-polar, at codon 975 of the ITGA7 protein (p.Val975Ala). This variant is present in population databases (rs748642428, gnomAD 0.06%). This variant has not been reported in the literature in individuals affected with ITGA7-related conditions. ClinVar contains an entry for this variant (Variation ID: 838120). Invitae Evidence Modeling of protein sequence and biophysical properties (such as structural, functional, and spatial information, amino acid conservation, physicochemical variation, residue mobility, and thermodynamic stability) indicates that this missense variant is not expected to disrupt ITGA7 protein function with a negative predictive value of 80%. In summary, the available evidence is currently insufficient to determine the role of this variant in disease. Therefore, it has been classified as a Variant of Uncertain Significance.

Revvity Omics, Revvity
Classification: Uncertain significance for Congenital muscular dystrophy due to integrin alpha-7 deficiency. Last evaluated: 2023-11-17. Review status: criteria provided, single submitter. Criteria: ACMG Guidelines, 2015. Collection method: clinical testing. Allele origin: germline.